The following is an entry in ClinVar:

NM_001286.5(CLCN6):c.653A>G (p.Gln218Arg)

Gene: CLCN6 (chloride voltage-gated channel 6; plus strand). Cytogenetic location: 1p36.22.
Variant type: single nucleotide variant.
Coding change: c.653A>G on transcript NM_001286.5 (MANE Select); coding-DNA position 653, A replaced by G.
Protein change: p.Gln218Arg; replaces glutamine 218 with arginine.
Molecular consequence: missense variant. On other transcripts: non-coding transcript variant (1).
Genome position (GRCh38, 1-based): chr1:11,826,160, A>G. VCF-style: chr1-11826160-A-G. GRCh37 (hg19) VCF-style: chr1-11886217-A-G.
Other names: c.587A>G, p.Gln196Arg (NM_001256959.2); short protein forms Q218R, Q196R.
Identifiers: ClinVar variation 2902880 (VCV002902880.3), dbSNP rs2523116739, ClinGen allele CA338428515.
Genomic context (GRCh38, chr1:11,826,160, plus strand): 5'-GTAGTATTTGGTTATATGAGTAGGCTCTTTAGTGGCTCTCTTTTCTCTTGCTTTAGTTTC[A>G]GAGCATCTCCTTACGGAAGATCCAGTTTAACTTCCCCTATTTCCGAAGCGACAGGTATGG-3'
Protein context (NP_001277.2, residues 208-228): SVVGAGLPQF[Gln218Arg]SISLRKIQFN

ClinVar aggregate classification (germline): Uncertain significance (1 of 4 stars; one submission).

Submission:

Labcorp Genetics (formerly Invitae), Labcorp
Classification: Uncertain significance. Last evaluated: 2023-09-27. Review status: criteria provided, single submitter. Criteria: Invitae Variant Classification Sherloc (09022015). Collection method: clinical testing. Allele origin: germline.
Comment: This variant is not present in population databases (gnomAD no frequency). This variant has not been reported in the literature in individuals affected with CLCN6-related conditions. An algorithm developed to predict the effect of missense changes on protein structure and function (PolyPhen-2) suggests that this variant is likely to be tolerated. In summary, the available evidence is currently insufficient to determine the role of this variant in disease. Therefore, it has been classified as a Variant of Uncertain Significance. This sequence change replaces glutamine, which is neutral and polar, with arginine, which is basic and polar, at codon 218 of the CLCN6 protein (p.Gln218Arg).